The following is an entry in ClinVar:

NM_024301.5(FKRP):c.788C>T (p.Ala263Val)

Gene: FKRP (fukutin related protein; plus strand). Cytogenetic location: 19q13.32.
Variant type: single nucleotide variant.
Coding change: c.788C>T on transcript NM_024301.5 (MANE Select); coding-DNA position 788, C replaced by T.
Protein change: p.Ala263Val; replaces alanine 263 with valine.
Molecular consequence: missense variant.
Genome position (GRCh38, 1-based): chr19:46,756,238, C>T. VCF-style: chr19-46756238-C-T. GRCh37 (hg19) VCF-style: chr19-47259495-C-T.
Other names: c.788C>T, p.Ala263Val (NM_001039885.3); short protein forms A263V.
Identifiers: ClinVar variation 1404103 (VCV001404103.8), dbSNP rs2122623716, ClinGen allele CA406496018.

ClinVar aggregate classification (germline): Uncertain significance (1 of 4 stars; one submission).

Conditions:
Walker-Warburg congenital muscular dystrophy. Also called: Muscular dystrophy-dystroglycanopathy, type A; Walker-Warburg syndrome. Identifiers: Orphanet 899, MedGen C0265221, MONDO:0000171.

Allele frequency attached by ClinVar (database versions not stated): gnomAD exomes below 0.00001.
gnomAD v4.1: 1 of 1,444,234 alleles (0.000069%); highest among the groups gnomAD compares: Non-Finnish European, 0.000091%; no homozygotes.

Submission:

Labcorp Genetics (formerly Invitae), Labcorp
Classification: Uncertain significance for Walker-Warburg congenital muscular dystrophy. Last evaluated: 2021-01-18. Review status: criteria provided, single submitter. Criteria: Invitae Variant Classification Sherloc (09022015). Collection method: clinical testing. Allele origin: germline.
Comment: This sequence change replaces alanine with valine at codon 263 of the FKRP protein (p.Ala263Val). The alanine residue is weakly conserved and there is a small physicochemical difference between alanine and valine. The frequency data for this variant in the population databases is considered unreliable, as metrics indicate insufficient coverage at this position in the ExAC database. This variant has not been reported in the literature in individuals with FKRP-related conditions. Algorithms developed to predict the effect of missense changes on protein structure and function (SIFT, PolyPhen-2, Align-GVGD) all suggest that this variant is likely to be tolerated, but these predictions have not been confirmed by published functional studies and their clinical significance is uncertain. In summary, the available evidence is currently insufficient to determine the role of this variant in disease. Therefore, it has been classified as a Variant of Uncertain Significance.